The following is an entry in ClinVar:

ClinVar aggregate classification (germline): Uncertain significance (1 of 4 stars; one submission).

Conditions:
3-methylglutaconic aciduria, type VIIB (MGCA7B). Also called: CLPB Deficiency; 3-methylglutaconic aciduria, type VII, with cataracts, neurologic involvement and neutropenia; 3-methylglutaconic aciduria with cataracts, neurologic involvement and neutropenia. Identifiers: Orphanet 445038, MedGen C5676893, MONDO:0014561, OMIM 616271.

Allele frequency attached by ClinVar (database versions not stated): ExAC 0.00001; gnomAD 0.00001; gnomAD exomes 0.00001; TOPMed 0.00002.
gnomAD v4.1: 7 of 1,577,870 alleles (0.00044%); highest among the groups gnomAD compares: Admixed American, 0.011%; no homozygotes.

Submission:

Labcorp Genetics (formerly Invitae), Labcorp
Classification: Uncertain significance for 3-methylglutaconic aciduria, type VIIB. Last evaluated: 2024-07-29. Review status: criteria provided, single submitter. Criteria: Invitae Variant Classification Sherloc (09022015). Collection method: clinical testing. Allele origin: germline.
Comment: This sequence change replaces alanine, which is neutral and non-polar, with valine, which is neutral and non-polar, at codon 13 of the CLPB protein (p.Ala13Val). This variant is present in population databases (rs750927442, gnomAD 0.01%). This variant has not been reported in the literature in individuals affected with CLPB-related conditions. ClinVar contains an entry for this variant (Variation ID: 968086). An algorithm developed to predict the effect of missense changes on protein structure and function outputs the following: PolyPhen-2: "Not Available". The valine amino acid residue is found in multiple mammalian species, which suggests that this missense change does not adversely affect protein function. In summary, the available evidence is currently insufficient to determine the role of this variant in disease. Therefore, it has been classified as a Variant of Uncertain Significance.

NM_001258392.3(CLPB):c.38C>T (p.Ala13Val)

Genes: CLPB (ClpB family mitochondrial disaggregase; minus strand), LOC130006336 (ATAC-STARR-seq lymphoblastoid active region 5191; plus strand). Cytogenetic location: 11q13.4.
Variant type: single nucleotide variant.
Coding change: c.38C>T on transcript NM_001258392.3 (MANE Select); coding-DNA position 38, C replaced by T.
Protein change: p.Ala13Val; replaces alanine 13 with valine.
Molecular consequence: missense variant. On other transcripts: 5 prime UTR variant (1).
Genome position (GRCh38, 1-based): chr11:72,434,437, G>A on the plus strand (C>T on the coding strand, the complement: CLPB is on the minus strand). VCF-style: chr11-72434437-G-A. GRCh37 (hg19) VCF-style: chr11-72145481-G-A.
Other names: c.38C>T, p.Ala13Val (NM_001258393.3, NM_030813.6); c.-205C>T (NM_001258394.3); short protein forms A13V.
Identifiers: ClinVar variation 968086 (VCV000968086.10), dbSNP rs750927442, ClinGen allele CA6171688.